The following is an entry in ClinVar:

ClinVar aggregate classification (germline): Uncertain significance (1 of 4 stars; one submission).

Conditions:
Neuronal ceroid lipofuscinosis 1 (CLN1). Also called: CEROID LIPOFUSCINOSIS, NEURONAL, 1, VARIABLE AGE AT ONSET; PPT1-Related Neuronal Ceroid-Lipofuscinosis. Identifiers: Orphanet 228329, MedGen C1850451, MONDO:0009744, OMIM 256730.

Allele frequency attached by ClinVar (database versions not stated): TOPMed below 0.00001.

Submission:

Labcorp Genetics (formerly Invitae), Labcorp
Classification: Uncertain significance for Neuronal ceroid lipofuscinosis 1. Last evaluated: 2022-07-06. Review status: criteria provided, single submitter. Criteria: Invitae Variant Classification Sherloc (09022015). Collection method: clinical testing. Allele origin: germline.
Comment: Advanced modeling of protein sequence and biophysical properties (such as structural, functional, and spatial information, amino acid conservation, physicochemical variation, residue mobility, and thermodynamic stability) performed at Invitae indicates that this missense variant is expected to disrupt PPT1 protein function. In summary, the available evidence is currently insufficient to determine the role of this variant in disease. Therefore, it has been classified as a Variant of Uncertain Significance. ClinVar contains an entry for this variant (Variation ID: 1495523). This variant has not been reported in the literature in individuals affected with PPT1-related conditions. This variant is not present in population databases (gnomAD no frequency). This sequence change replaces tryptophan, which is neutral and slightly polar, with serine, which is neutral and polar, at codon 38 of the PPT1 protein (p.Trp38Ser).

NM_000310.4(PPT1):c.113G>C (p.Trp38Ser)

Gene: PPT1 (palmitoyl-protein thioesterase 1; minus strand). Cytogenetic location: 1p34.2.
Variant type: single nucleotide variant.
Coding change: c.113G>C on transcript NM_000310.4 (MANE Select); coding-DNA position 113, G replaced by C.
Protein change: p.Trp38Ser; replaces tryptophan 38 with serine.
Molecular consequence: missense variant.
Genome position (GRCh38, 1-based): chr1:40,097,126, C>G on the plus strand (G>C on the coding strand, the complement: PPT1 is on the minus strand). VCF-style: chr1-40097126-C-G. GRCh37 (hg19) VCF-style: chr1-40562798-C-G.
Other names: c.113G>C, p.Trp38Ser (NM_001142604.2, NM_001363695.2); short protein forms W38S.
Identifiers: ClinVar variation 1495523 (VCV001495523.6), dbSNP rs1026370829, ClinGen allele CA21020975.